The following is an entry in ClinVar:

ClinVar aggregate classification (germline): Uncertain significance (1 of 4 stars; one submission).

Allele frequency attached by ClinVar (database versions not stated): gnomAD 0.00001; gnomAD exomes 0.00001.
gnomAD v4.1: 9 of 1,581,072 alleles (0.00057%); highest among the groups gnomAD compares: Non-Finnish European, 0.00077%; no homozygotes.

Submission:

Labcorp Genetics (formerly Invitae), Labcorp
Classification: Uncertain significance. Last evaluated: 2025-07-06. Review status: criteria provided, single submitter. Criteria: Invitae Variant Classification Sherloc (09022015). Collection method: clinical testing. Allele origin: germline.
Comment: This sequence change replaces leucine, which is neutral and non-polar, with proline, which is neutral and non-polar, at codon 4 of the WNT3A protein (p.Leu4Pro). The frequency data for this variant in the population databases is considered unreliable, as metrics indicate poor data quality at this position in the gnomAD database. This variant has not been reported in the literature in individuals affected with WNT3A-related conditions. ClinVar contains an entry for this variant (Variation ID: 2070199). An algorithm developed to predict the effect of missense changes on protein structure and function (PolyPhen-2) suggests that this variant is likely to be tolerated. In summary, the available evidence is currently insufficient to determine the role of this variant in disease. Therefore, it has been classified as a Variant of Uncertain Significance.

NM_033131.4(WNT3A):c.11T>C (p.Leu4Pro)

Gene: WNT3A (Wnt family member 3A; plus strand). Cytogenetic location: 1q42.13.
Variant type: single nucleotide variant.
Coding change: c.11T>C on transcript NM_033131.4 (MANE Select); coding-DNA position 11, T replaced by C.
Protein change: p.Leu4Pro; replaces leucine 4 with proline.
Molecular consequence: missense variant.
Genome position (GRCh38, 1-based): chr1:228,007,139, T>C. VCF-style: chr1-228007139-T-C. GRCh37 (hg19) VCF-style: chr1-228194840-T-C.
Other names: short protein forms L4P.
Identifiers: ClinVar variation 2070199 (VCV002070199.4), dbSNP rs1369668727, ClinGen allele CA345333452.
Genomic context (GRCh38, chr1:228,007,139, plus strand): 5'-CTCACGCTCTCGGGGCGGACTCCCGGCCCTCCGCGCCCTCTCGCGCGGCGATGGCCCCAC[T>C]CGGATACTTCTTACTCCTCTGCAGCCTGAAGCAGGCTCTGGGCAGCTACCCGATCTGGTG-3'
Protein context (NP_149122.1, residues 1-14): MAP[Leu4Pro]GYFLLLCSLK